The following is an entry in ClinVar:

ClinVar aggregate classification (germline): Uncertain significance (1 of 4 stars; one submission).

Conditions:
Familial sleep-related hypermotor epilepsy. Also called: Autosomal Dominant Sleep-Related Hypermotor (Hyperkinetic) Epilepsy. Identifiers: Orphanet 98784, MedGen C3696898, MONDO:0000030.

Allele frequency attached by ClinVar (database versions not stated): ExAC 0.00001.

Submission:

Labcorp Genetics (formerly Invitae), Labcorp
Classification: Uncertain significance. Last evaluated: 2020-06-07. Review status: criteria provided, single submitter. Criteria: Invitae Variant Classification Sherloc (09022015). Collection method: clinical testing. Allele origin: germline.
Comment: This sequence change replaces valine with leucine at codon 30 of the CHRNA4 protein (p.Val30Leu). The valine residue is weakly conserved and there is a small physicochemical difference between valine and leucine. This variant is present in population databases (rs746557446, ExAC 0.002%). This variant has not been reported in the literature in individuals with CHRNA4-related conditions. Algorithms developed to predict the effect of missense changes on protein structure and function (SIFT, PolyPhen-2, Align-GVGD) all suggest that this variant is likely to be tolerated, but these predictions have not been confirmed by published functional studies and their clinical significance is uncertain. In summary, the available evidence is currently insufficient to determine the role of this variant in disease. Therefore, it has been classified as a Variant of Uncertain Significance.

NM_000744.7(CHRNA4):c.88G>C (p.Val30Leu)

Gene: CHRNA4 (cholinergic receptor nicotinic alpha 4 subunit; minus strand). Cytogenetic location: 20q13.33.
Variant type: single nucleotide variant.
Coding change: c.88G>C on transcript NM_000744.7 (MANE Select); coding-DNA position 88, G replaced by C.
Protein change: p.Val30Leu; replaces valine 30 with leucine.
Molecular consequence: missense variant. On other transcripts: 5 prime UTR variant (1), non-coding transcript variant (1).
Genome position (GRCh38, 1-based): chr20:63,359,688, C>G on the plus strand (G>C on the coding strand, the complement: CHRNA4 is on the minus strand). VCF-style: chr20-63359688-C-G. GRCh37 (hg19) VCF-style: chr20-61991040-C-G.
Other names: c.-459G>C (NM_001256573.2); short protein forms V30L.
Identifiers: ClinVar variation 1022354 (VCV001022354.9), dbSNP rs746557446, ClinGen allele CA9957976.